The following is an entry in ClinVar:

NM_006269.2(RP1):c.5840del (p.Leu1947fs)

Genes: RP1 (RP1 axonemal microtubule associated; plus strand), LOC126860392 (CDK7 strongly-dependent group 2 enhancer GRCh37_chr8:55541319-55542518; plus strand). Cytogenetic location: 8q12.1.
Variant type: Deletion.
Coding change: c.5840del on transcript NM_006269.2 (MANE Select); coding-DNA position 5840, one base deleted (T; older notation c.5840delT).
Protein change: p.Leu1947fs; shifts the reading frame from leucine 1947.
Molecular consequence: frameshift variant. On other transcripts: intron variant (1).
Genome position (GRCh38, 1-based): chr8:54,629,722, T deleted; the last of 2 consecutive T bases (chr8:54,629,721-54,629,722); deleting either gives the same sequence. VCF-style (leftmost placement, unchanged base first): chr8-54629720-CT-C. GRCh37 (hg19) VCF-style: chr8-55542280-CT-C.
Other names: c.787+7434del (NM_001375654.1); short protein forms L1947fs.
Identifiers: ClinVar variation 1076591 (VCV001076591.10), dbSNP rs1328615024, ClinGen allele CA370988298.

ClinVar aggregate classification (germline): Pathogenic/Likely pathogenic. Review status: criteria provided, multiple submitters, no conflicts (2 of 4 stars). 2 submissions from 2 submitters: Pathogenic (1); Likely pathogenic (1). Last evaluated 2026-01-06.

Conditions:
RP1-related disorder. Also called: RP1-related condition.

Submissions (2):

Labcorp Genetics (formerly Invitae), Labcorp
Classification: Pathogenic. Last evaluated: 2026-01-06. Review status: criteria provided, single submitter. Criteria: Invitae Variant Classification Sherloc (09022015). Collection method: clinical testing. Allele origin: germline.
Comment: This sequence change creates a premature translational stop signal (p.Leu1947Trpfs*7) in the RP1 gene. While this is not anticipated to result in nonsense mediated decay, it is expected to disrupt the last 210 amino acid(s) of the RP1 protein. This variant is present in population databases (no rsID available, gnomAD 0.01%). This variant has not been reported in the literature in individuals affected with RP1-related conditions. ClinVar contains an entry for this variant (Variation ID: 1076591). This variant disrupts the C-terminus of the RP1 protein. Many variants that disrupt this region have been reported in individuals with either autosomal dominant or autosomal recessive retinitis pigmentosa (PMID: 11527933, 19933189, 29425069, 30027431, 33681214). Therefore, variants that disrupt this region are expected to be disease-causing. For these reasons, this variant has been classified as Pathogenic.

Blueprint Genetics
Classification: Likely pathogenic for RP1-related disorders. Last evaluated: 2021-07-13. Review status: criteria provided, single submitter. Criteria: ACMG Guidelines, 2015. Collection method: clinical testing. Allele origin: germline. Affected: yes. Observed: 1 variant allele.

Literature cited by the submitters: PubMed 11527933 (cited by Labcorp Genetics (formerly Invitae), Labcorp); PubMed 19933189 (cited by Labcorp Genetics (formerly Invitae), Labcorp); PubMed 29425069 (cited by Labcorp Genetics (formerly Invitae), Labcorp); PubMed 30027431 (cited by Labcorp Genetics (formerly Invitae), Labcorp); PubMed 33681214 (cited by Labcorp Genetics (formerly Invitae), Labcorp).